The following is an entry in ClinVar:

NM_000257.4(MYH7):c.337A>C (p.Met113Leu)

Gene: MYH7 (myosin heavy chain 7; minus strand). Cytogenetic location: 14q11.2.
Variant type: single nucleotide variant.
Coding change: c.337A>C on transcript NM_000257.4 (MANE Select); coding-DNA position 337, A replaced by C.
Protein change: p.Met113Leu; replaces methionine 113 with leucine.
Molecular consequence: missense variant.
Genome position (GRCh38, 1-based): chr14:23,433,092, T>G on the plus strand (A>C on the coding strand, the complement: MYH7 is on the minus strand). VCF-style: chr14-23433092-T-G. GRCh37 (hg19) VCF-style: chr14-23902301-T-G.
Other names: c.337A>C, p.Met113Leu (NM_001407004.1); short protein forms M113L.
Identifiers: ClinVar variation 1716321 (VCV001716321.5), dbSNP rs1893014420, ClinGen allele CA389053045.

ClinVar aggregate classification (germline): Uncertain significance (1 of 4 stars; one submission).

Conditions:
Hypertrophic cardiomyopathy. Also called: HYPERTROPHIC MYOCARDIOPATHY. Identifiers: Orphanet 217569, MedGen C0007194, MeSH D002312, MONDO:0005045, HP:0001639.

Allele frequency attached by ClinVar (database versions not stated): gnomAD exomes below 0.00001.

Submission:

Labcorp Genetics (formerly Invitae), Labcorp
Classification: Uncertain significance for Hypertrophic cardiomyopathy. Last evaluated: 2022-08-13. Review status: criteria provided, single submitter. Criteria: Invitae Variant Classification Sherloc (09022015). Collection method: clinical testing. Allele origin: germline.
Comment: In summary, the available evidence is currently insufficient to determine the role of this variant in disease. Therefore, it has been classified as a Variant of Uncertain Significance. Algorithms developed to predict the effect of missense changes on protein structure and function are either unavailable or do not agree on the potential impact of this missense change (SIFT: "Deleterious"; PolyPhen-2: "Benign"; Align-GVGD: "Class C0"). This variant has not been reported in the literature in individuals affected with MYH7-related conditions. This variant is not present in population databases (gnomAD no frequency). This sequence change replaces methionine, which is neutral and non-polar, with leucine, which is neutral and non-polar, at codon 113 of the MYH7 protein (p.Met113Leu).